The following is an entry in ClinVar:

NM_000256.3(MYBPC3):c.2105dup (p.Glu703fs)

Gene: MYBPC3 (myosin binding protein C3; minus strand). Cytogenetic location: 11p11.2.
Variant type: Duplication.
Coding change: c.2105dup on transcript NM_000256.3 (MANE Select); coding-DNA position 2105, one base duplicated (C; older notation c.2105dupC).
Protein change: p.Glu703fs; shifts the reading frame from glutamic acid 703.
Molecular consequence: frameshift variant.
Genome position (GRCh38, 1-based): chr11:47,339,367, G duplicated on the plus strand (C on the coding strand, the reverse complement: MYBPC3 is on the minus strand); the first of 4 consecutive G bases (chr11:47,339,367-47,339,370); duplicating any one gives the same sequence. VCF-style (leftmost placement, unchanged base first): chr11-47339366-T-TG. GRCh37 (hg19) VCF-style: chr11-47360917-T-TG.
Other names: c.2105dupC (NM_000256.3); short protein forms E703fs.
Identifiers: ClinVar variation 3230874 (VCV003230874.1), dbSNP rs2495754669, ClinGen allele CA2825002007.

ClinVar aggregate classification (germline): Pathogenic (1 of 4 stars; one submission).

Conditions:
Cardiovascular phenotype. Identifiers: MedGen CN230736.

Submission:

Ambry Genetics
Classification: Pathogenic for Cardiovascular phenotype. Last evaluated: 2024-03-12. Review status: criteria provided, single submitter. Criteria: Ambry Variant Classification Scheme 2023. Collection method: clinical testing. Allele origin: germline.
Comment: The c.2105dupC pathogenic mutation, located in coding exon 22 of the MYBPC3 gene, results from a duplication of C at nucleotide position 2105, causing a translational frameshift with a predicted alternate stop codon (p.E703Rfs*5). This variant is considered to be rare based on population cohorts in the Genome Aggregation Database (gnomAD). This alteration is expected to result in loss of function by premature protein truncation or nonsense-mediated mRNA decay. As such, this alteration is interpreted as a disease-causing mutation.